The following is an entry in ClinVar:

ClinVar aggregate classification (germline): Uncertain significance (1 of 4 stars; one submission).

Conditions:
Intellectual developmental disorder, autosomal dominant 1. Also called: Intellectual disability, autosomal dominant 1; MBD5 Haploinsufficiency. Identifiers: Orphanet 228402, MedGen C1969562, MONDO:0007974, OMIM 156200.

Submission:

Labcorp Genetics (formerly Invitae), Labcorp
Classification: Uncertain significance for Intellectual developmental disorder, autosomal dominant 1. Last evaluated: 2023-07-07. Review status: criteria provided, single submitter. Criteria: Invitae Variant Classification Sherloc (09022015). Collection method: clinical testing. Allele origin: germline.
Comment: In summary, the available evidence is currently insufficient to determine the role of this variant in disease. Therefore, it has been classified as a Variant of Uncertain Significance. This sequence change replaces serine, which is neutral and polar, with glycine, which is neutral and non-polar, at codon 1225 of the MBD5 protein (p.Ser1225Gly). This variant is not present in population databases (gnomAD no frequency). This variant has not been reported in the literature in individuals affected with MBD5-related conditions. ClinVar contains an entry for this variant (Variation ID: 2118818). Experimental studies and prediction algorithms are not available or were not evaluated, and the functional significance of this variant is currently unknown.

NM_001378120.1(MBD5):c.4372A>G (p.Ser1458Gly)

Gene: MBD5 (methyl-CpG binding domain protein 5; plus strand). Cytogenetic location: 2q23.1.
Variant type: single nucleotide variant.
Coding change: c.4372A>G on transcript NM_001378120.1 (MANE Select); coding-DNA position 4372, A replaced by G.
Protein change: p.Ser1458Gly; replaces serine 1458 with glycine.
Molecular consequence: missense variant.
Genome position (GRCh38, 1-based): chr2:148,490,004, A>G. VCF-style: chr2-148490004-A-G. GRCh37 (hg19) VCF-style: chr2-149247573-A-G.
Other names: c.3673A>G, p.Ser1225Gly (NM_018328.5); short protein forms S1225G, S1458G.
Identifiers: ClinVar variation 2118818 (VCV002118818.4), dbSNP rs2470025777, ClinGen allele CA348729111.
Genomic context (GRCh38, chr2:148,490,004, plus strand): 5'-GGGGAGCGAAACAGGTGGAAGTACGAGGAATTTTTAGATCATCCAGGCCATATCCACAGT[A>G]GTCCTTGTCATGAAAGGCCCAACAATGTCTCTACACTGCCATTTCTGCCTGGGGAACAGC-3'
Protein context (NP_001365049.1, residues 1448-1468): FLDHPGHIHS[Ser1458Gly]PCHERPNNVS